The following is an entry in ClinVar:

ClinVar aggregate classification (germline): Uncertain significance (1 of 4 stars; one submission).

Conditions:
Perlman syndrome (PRLMNS). Identifiers: Orphanet 2849, MedGen C0796113, MONDO:0009965, OMIM 267000.

Allele frequency attached by ClinVar (database versions not stated): gnomAD exomes below 0.00001.
gnomAD v4.1: 1 of 1,614,048 alleles (0.000062%); highest among the groups gnomAD compares: East Asian, 0.0022%; no homozygotes.

Submission:

Labcorp Genetics (formerly Invitae), Labcorp
Classification: Uncertain significance for Perlman syndrome. Last evaluated: 2022-02-21. Review status: criteria provided, single submitter. Criteria: Invitae Variant Classification Sherloc (09022015). Collection method: clinical testing. Allele origin: germline.
Comment: In summary, the available evidence is currently insufficient to determine the role of this variant in disease. Therefore, it has been classified as a Variant of Uncertain Significance. Algorithms developed to predict the effect of missense changes on protein structure and function are either unavailable or do not agree on the potential impact of this missense change (SIFT: "Tolerated"; PolyPhen-2: "Probably Damaging"; Align-GVGD: "Class C0"). This variant has not been reported in the literature in individuals affected with DIS3L2-related conditions. This variant is not present in population databases (gnomAD no frequency). This sequence change replaces threonine, which is neutral and polar, with alanine, which is neutral and non-polar, at codon 471 of the DIS3L2 protein (p.Thr471Ala).

NM_152383.5(DIS3L2):c.1411A>G (p.Thr471Ala)

Gene: DIS3L2 (DIS3 like 3'-5' exoribonuclease 2; plus strand). Cytogenetic location: 2q37.1.
Variant type: single nucleotide variant.
Coding change: c.1411A>G on transcript NM_152383.5 (MANE Select); coding-DNA position 1411, A replaced by G.
Protein change: p.Thr471Ala; replaces threonine 471 with alanine.
Molecular consequence: missense variant. On other transcripts: non-coding transcript variant (2).
Genome position (GRCh38, 1-based): chr2:232,249,332, A>G. VCF-style: chr2-232249332-A-G. GRCh37 (hg19) VCF-style: chr2-233114042-A-G.
Other names: c.1411A>G, p.Thr471Ala (NM_001257281.2); short protein forms T471A.
Identifiers: ClinVar variation 1973680 (VCV001973680.5), dbSNP rs2470049569, ClinGen allele CA351155547.